The following is an entry in ClinVar:

ClinVar aggregate classification (germline): Uncertain significance. Review status: criteria provided, multiple submitters, no conflicts (2 of 4 stars). 6 submissions from 6 submitters: Uncertain significance (6). Last evaluated 2025-12-09.

Conditions:
Ehlers-Danlos syndrome, type 4 (EDSVASC). Also called: Ehlers-Danlos Syndrome Type IV; Ehlers-Danlos syndrome vascular type; Ehlers Danlos syndrome, ecchymotic type; Ehlers Danlos syndrome, arterial type; Ehlers Danlos syndrome, Sack-Barabas type. Identifiers: Orphanet 286, MedGen C0268338, MONDO:0017314, OMIM 130050.
Familial thoracic aortic aneurysm and aortic dissection (TAAD). Also called: Thoracic aortic aneurysms and dissections. Identifiers: Orphanet 91387, MedGen C4707243, MONDO:0019625.

Allele frequency attached by ClinVar (database versions not stated): gnomAD exomes below 0.00001; TOPMed 0.00006.
gnomAD v4.1: 5 of 1,613,856 alleles (0.00031%); highest among the groups gnomAD compares: Admixed American, 0.0067%; no homozygotes.

Submissions (6):

Labcorp Genetics (formerly Invitae), Labcorp
Classification: Uncertain significance for Ehlers-Danlos syndrome, type 4. Last evaluated: 2025-12-09. Review status: criteria provided, single submitter. Criteria: Invitae Variant Classification Sherloc (09022015). Collection method: clinical testing. Allele origin: germline.
Comment: This sequence change replaces alanine, which is neutral and non-polar, with serine, which is neutral and polar, at codon 316 of the COL3A1 protein (p.Ala316Ser). This variant is not present in population databases (gnomAD no frequency). This variant has not been reported in the literature in individuals affected with COL3A1-related conditions. ClinVar contains an entry for this variant (Variation ID: 811944). Invitae Evidence Modeling of protein sequence and biophysical properties (such as structural, functional, and spatial information, amino acid conservation, physicochemical variation, residue mobility, and thermodynamic stability) indicates that this missense variant is not expected to disrupt COL3A1 protein function with a negative predictive value of 95%. In summary, the available evidence is currently insufficient to determine the role of this variant in disease. Therefore, it has been classified as a Variant of Uncertain Significance.

All of Us Research Program, National Institutes of Health
Classification: Uncertain significance for Ehlers-Danlos syndrome, type 4. Last evaluated: 2024-05-14. Review status: criteria provided, single submitter. Criteria: ACMG Guidelines, 2015. Collection method: clinical testing. Allele origin: germline. Inheritance: Autosomal dominant inheritance. Observed: 6 variant alleles, 6 heterozygotes.
Comment: This missense variant replaces alanine with serine at codon 316 of the COL3A1 protein. Computational prediction tools and conservation analyses are inconclusive regarding the impact of this variant on protein function. Computational splicing tools suggest that this variant may not impact RNA splicing. To our knowledge, functional assays have not been performed for this variant nor has this variant been reported in individuals affected with cardiovascular disorders in the literature. This variant has not been identified in the general population by the Genome Aggregation Database (gnomAD). Available evidence is insufficient to determine the role of this variant in disease conclusively. Therefore, this variant is classified as a Variant of Uncertain Significance.

This study involves interpretation of variants in research participants for the purpose of population health screening. Participant phenotype was not available at the time of variant classification. Additional details can be found in publication PMID: 35346344, PMCID: PMC8962531

Ambry Genetics
Classification: Uncertain significance for Familial thoracic aortic aneurysm and aortic dissection. Last evaluated: 2024-04-28. Review status: criteria provided, single submitter. Criteria: Ambry Variant Classification Scheme 2023. Collection method: clinical testing. Allele origin: germline.
Comment: The p.A316S variant (also known as c.946G>T), located in coding exon 13 of the COL3A1 gene, results from a G to T substitution at nucleotide position 946. The alanine at codon 316 is replaced by serine, an amino acid with similar properties. This amino acid position is not well conserved in available vertebrate species. In addition, this alteration is predicted to be tolerated by in silico analysis. Based on the available evidence, the clinical significance of this variant remains unclear.

Color Diagnostics, LLC DBA Color Health
Classification: Uncertain significance for Familial thoracic aortic aneurysm and aortic dissection. Last evaluated: 2024-03-06. Review status: criteria provided, single submitter. Criteria: ACMG Guidelines, 2015. Collection method: clinical testing. Allele origin: germline.
Comment: This missense variant replaces alanine with serine at codon 316 of the COL3A1 protein. Computational prediction tool indicates that this variant may have a neutral impact on protein structure and function. To our knowledge, functional studies have not been reported for this variant. This variant has not been reported in individuals affected with COL3A1-related disorders in the literature. This variant has not been identified in the general population by the Genome Aggregation Database (gnomAD). The available evidence is insufficient to determine the role of this variant in disease conclusively. Therefore, this variant is classified as a Variant of Uncertain Significance.

GeneDx
Classification: Uncertain significance. Last evaluated: 2023-01-30. Review status: criteria provided, single submitter. Criteria: GeneDx Variant Classification Process June 2021. Collection method: clinical testing. Allele origin: germline. Affected: yes.
Comment: Has not been previously published as pathogenic or benign to our knowledge; Not observed at significant frequency in large population cohorts (gnomAD); Occurs in the triple helical domain at the X position in the canonical Gly-X-Y repeat; although this variant may have an effect on normal protein folding and function, missense substitution at the X position is not a common mechanism of disease (HGMD); In silico analysis supports that this missense variant does not alter protein structure/function

ARUP Laboratories, Molecular Genetics and Genomics, ARUP Laboratories
Classification: Uncertain significance. Last evaluated: 2019-03-28. Review status: criteria provided, single submitter. Criteria: ARUP Molecular Germline Variant Investigation Process. Collection method: clinical testing. Allele origin: germline.
Comment: The COL3A1 c.946G>T; p.Ala316Ser variant (rs958176385), to our knowledge, is not reported in the medical literature or gene-specific databases. This variant is also absent from general population databases (Exome Variant Server, Genome Aggregation Database), indicating it is not a common polymorphism. The alanine at codon 316 is moderately conserved, and computational analyses (SIFT, PolyPhen-2) predict that this variant is tolerated. However, due to limited information, the clinical significance of the p.Ala316Ser variant is uncertain at this time.

NM_000090.4(COL3A1):c.946G>T (p.Ala316Ser)

Gene: COL3A1 (collagen type III alpha 1 chain; plus strand). Cytogenetic location: 2q32.2.
Variant type: single nucleotide variant.
Coding change: c.946G>T on transcript NM_000090.4 (MANE Select); coding-DNA position 946, G replaced by T.
Protein change: p.Ala316Ser; replaces alanine 316 with serine.
Molecular consequence: missense variant.
Genome position (GRCh38, 1-based): chr2:188,991,717, G>T. VCF-style: chr2-188991717-G-T. GRCh37 (hg19) VCF-style: chr2-189856443-G-T.
Other names: short protein forms A316S.
Identifiers: ClinVar variation 811944 (VCV000811944.29), dbSNP rs958176385, ClinGen allele CA62593048.